The following is an entry in ClinVar:

ClinVar aggregate classification (germline): Uncertain significance. Review status: criteria provided, multiple submitters, no conflicts (2 of 4 stars). 2 submissions from 2 submitters: Uncertain significance (2). Last evaluated 2025-09-05.

Conditions:
Hereditary cancer. Identifiers: MedGen C1333600.
Hereditary cancer-predisposing syndrome. Also called: Neoplastic Syndromes, Hereditary; Tumor predisposition; Hereditary Cancer Syndrome; Hereditary neoplastic syndrome. Identifiers: Orphanet 140162, MedGen C0027672, MeSH D009386, MONDO:0015356.

Allele frequency attached by ClinVar (database versions not stated): gnomAD exomes below 0.00001.

Submissions (2):

Ambry Genetics
Classification: Uncertain significance for Hereditary cancer-predisposing syndrome. Last evaluated: 2025-09-05. Review status: criteria provided, single submitter. Criteria: Ambry Variant Classification Scheme 2023. Collection method: clinical testing. Allele origin: germline.
Comment: The c.-1C>G variant is located in the 5' untranslated region (5&rsquo; UTR) of the CDH1 gene. This variant results from a C to G substitution 1 bases upstream from the first translated codon. This nucleotide position is highly conserved in available vertebrate species. Since supporting evidence is limited at this time, the clinical significance of this alteration remains unclear.

Mendelics
Classification: Uncertain significance for Hereditary cancer. Last evaluated: 2025-02-26. Review status: criteria provided, single submitter. Criteria: ACMG Guidelines, 2015. Collection method: clinical testing. Allele origin: unknown.
Comment: The available evidence is insufficient to conclusively determine the role of this variant. Therefore, it is classified as a Variant of Uncertain Significance.

NM_004360.5(CDH1):c.-1C>G

Gene: CDH1 (cadherin 1; plus strand). Cytogenetic location: 16q22.1.
Variant type: single nucleotide variant.
Coding change: c.-1C>G on transcript NM_004360.5 (MANE Select); 1 bases upstream of the start codon, C replaced by G.
Molecular consequence: 5 prime UTR variant.
Genome position (GRCh38, 1-based): chr16:68,737,415, C>G. VCF-style: chr16-68737415-C-G. GRCh37 (hg19) VCF-style: chr16-68771318-C-G.
Other names: c.-1C>G (NM_001317184.2); c.-1616C>G (NM_001317185.2); c.-1820C>G (NM_001317186.2).
Identifiers: ClinVar variation 1784189 (VCV001784189.4), dbSNP rs2152113943, ClinGen allele CA2580091833.
Genomic context (GRCh38, chr16:68,737,415, plus strand): 5'-CCAGCCCGGCCCGACCCGACCGCACCCGGCGCCTGCCCTCGCTCGGCGTCCCCGGCCAGC[C>G]ATGGGCCCTTGGAGCCGCAGCCTCTCGGCGCTGCTGCTGCTGCTGCAGGTACCCCGGATC-3'